The following is an entry in ClinVar:

NM_001378609.3(OTOGL):c.407G>A (p.Gly136Asp)

Gene: OTOGL (otogelin like; plus strand). Cytogenetic location: 12q21.31.
Variant type: single nucleotide variant.
Coding change: c.407G>A on transcript NM_001378609.3 (MANE Select); coding-DNA position 407, G replaced by A.
Protein change: p.Gly136Asp; replaces glycine 136 with aspartic acid.
Molecular consequence: missense variant.
Genome position (GRCh38, 1-based): chr12:80,222,163, G>A. VCF-style: chr12-80222163-G-A. GRCh37 (hg19) VCF-style: chr12-80615943-G-A.
Other names: c.407G>A, p.Gly136Asp (NM_001368062.3, NM_001378610.3, NM_173591.7); short protein forms G136D.
Identifiers: ClinVar variation 4888192 (VCV004888192.1).

ClinVar aggregate classification (germline): Uncertain significance (1 of 4 stars; one submission).

gnomAD v4.1: 6 of 1,597,654 alleles (0.00038%); highest among the groups gnomAD compares: African/African-American, 0.0067%; no homozygotes.

Submission:

GeneDx
Classification: Uncertain significance. Last evaluated: 2026-02-13. Review status: criteria provided, single submitter. Criteria: GeneDx Variant Classification Process June 2021. Collection method: clinical testing. Allele origin: germline.
Comment: Not observed at significant frequency in large population cohorts (gnomAD); In silico analysis supports that this missense variant has a deleterious effect on protein structure/function; Has not been previously published as pathogenic or benign to our knowledge